The following is an entry in ClinVar:

NM_003998.4(NFKB1):c.285G>T (p.Lys95Asn)

Gene: NFKB1 (nuclear factor kappa B subunit 1; plus strand). Cytogenetic location: 4q24.
Variant type: single nucleotide variant.
Coding change: c.285G>T on transcript NM_003998.4 (MANE Select); coding-DNA position 285, G replaced by T.
Protein change: p.Lys95Asn; replaces lysine 95 with asparagine.
Molecular consequence: missense variant.
Genome position (GRCh38, 1-based): chr4:102,567,013, G>T. VCF-style: chr4-102567013-G-T. GRCh37 (hg19) VCF-style: chr4-103488170-G-T.
Other names: c.282G>T, p.Lys94Asn (NM_001165412.2, NM_001319226.2, NM_001382627.1); c.285G>T, p.Lys95Asn (NM_001382625.1, NM_001382626.1); c.243G>T, p.Lys81Asn (NM_001382628.1); c.285G>T (NM_003998.3); short protein forms K81N, K94N, K95N.
Identifiers: ClinVar variation 4822638 (VCV004822638.5).

ClinVar aggregate classification (germline): Uncertain significance. Review status: criteria provided, multiple submitters, no conflicts (2 of 4 stars). 2 submissions from 2 submitters: Uncertain significance (2). Last evaluated 2026-02-01.

gnomAD v4.1: 1 of 1,613,980 alleles (0.000062%); highest among the groups gnomAD compares: Non-Finnish European, 0.000085%; no homozygotes.

Submissions (2):

CeGaT Center for Human Genetics Tuebingen
Classification: Uncertain significance. Last evaluated: 2026-02-01. Review status: criteria provided, single submitter. Criteria: CeGaT Center For Human Genetics Tuebingen Variant Classification Criteria Version 2. Collection method: clinical testing. Allele origin: germline. Affected: yes. Observed: 1 variant allele.
Comment: NFKB1: PM2

GeneDx
Classification: Uncertain significance. Last evaluated: 2026-01-23. Review status: criteria provided, single submitter. Criteria: GeneDx Variant Classification Process June 2021. Collection method: clinical testing. Allele origin: germline.
Comment: Not observed at significant frequency in large population cohorts (gnomAD); In silico analysis supports that this missense variant has a deleterious effect on protein structure/function; Has not been previously published as pathogenic or benign to our knowledge